The following is an entry in ClinVar:

ClinVar aggregate classification (germline): Uncertain significance (1 of 4 stars; one submission).

Allele frequency attached by ClinVar (database versions not stated): 1000 Genomes Project 30x 0.00016; 1000 Genomes Project 0.00020.
gnomAD v4.1: 10 of 1,555,052 alleles (0.00064%); highest among the groups gnomAD compares: Admixed American, 0.0054%; no homozygotes.

Submission:

Labcorp Genetics (formerly Invitae), Labcorp
Classification: Uncertain significance. Last evaluated: 2024-12-02. Review status: criteria provided, single submitter. Criteria: Invitae Variant Classification Sherloc (09022015). Collection method: clinical testing. Allele origin: germline.
Comment: This sequence change replaces alanine, which is neutral and non-polar, with glycine, which is neutral and non-polar, at codon 1023 of the COL18A1 protein (p.Ala1023Gly). This variant is present in population databases (rs557054483, gnomAD 0.007%). This variant has not been reported in the literature in individuals affected with COL18A1-related conditions. ClinVar contains an entry for this variant (Variation ID: 1387172). Experimental studies and prediction algorithms are not available or were not evaluated, and the functional significance of this variant is currently unknown. In summary, the available evidence is currently insufficient to determine the role of this variant in disease. Therefore, it has been classified as a Variant of Uncertain Significance.

NM_001379500.1(COL18A1):c.3077C>G (p.Ala1026Gly)

Genes: COL18A1 (collagen type XVIII alpha 1 chain; plus strand), SLC19A1 (solute carrier family 19 member 1; minus strand). Cytogenetic location: 21q22.3.
Variant type: single nucleotide variant.
Coding change: c.3077C>G on transcript NM_001379500.1 (MANE Select); coding-DNA position 3077, C replaced by G.
Protein change: p.Ala1026Gly; replaces alanine 1026 with glycine.
Molecular consequence: missense variant.
Genome position (GRCh38, 1-based): chr21:45,505,421, C>G. VCF-style: chr21-45505421-C-G. GRCh37 (hg19) VCF-style: chr21-46925335-C-G.
Other names: c.3608C>G, p.Ala1203Gly (NM_030582.4); c.4313C>G, p.Ala1438Gly (NM_130444.3); short protein forms A1203G, A1438G, A1026G.
Identifiers: ClinVar variation 1387172 (VCV001387172.5), dbSNP rs557054483, ClinGen allele CA10067667.